The following is an entry in ClinVar:

NM_005334.3(HCFC1):c.4182G>A (p.Ala1394=)

Gene: HCFC1 (host cell factor C1; minus strand). Cytogenetic location: Xq28.
Variant type: single nucleotide variant.
Coding change: c.4182G>A on transcript NM_005334.3 (MANE Select); coding-DNA position 4182, G replaced by A.
Protein change: p.Ala1394=; no amino-acid change (alanine 1394 retained).
Molecular consequence: synonymous variant.
Genome position (GRCh38, 1-based): chrX:153,954,217, C>T on the plus strand (G>A on the coding strand, the complement: HCFC1 is on the minus strand). VCF-style: chrX-153954217-C-T. GRCh37 (hg19) VCF-style: chrX-153219668-C-T.
Identifiers: ClinVar variation 390404 (VCV000390404.7), dbSNP rs782820533, ClinGen allele CA10557057.

ClinVar aggregate classification (germline): Likely benign. Review status: criteria provided, multiple submitters, no conflicts (2 of 4 stars). 2 submissions from 2 submitters: Likely benign (2). Last evaluated 2024-03-05.

Conditions:
Methylmalonic acidemia with homocystinuria, type cblX (MAHCX). Also called: INTELLECTUAL DEVELOPMENTAL DISORDER, X-LINKED 3. Identifiers: Orphanet 369962, MedGen C0796208, MONDO:0010657, OMIM 309541.

Allele frequency attached by ClinVar (database versions not stated): gnomAD exomes 0.00003 and 0.00008; ExAC 0.00004; gnomAD 0.00004; TOPMed 0.00007.

Submissions (2):

Labcorp Genetics (formerly Invitae), Labcorp
Classification: Likely benign for Methylmalonic acidemia with homocystinuria, type cblX. Last evaluated: 2024-03-05. Review status: criteria provided, single submitter. Criteria: Invitae Variant Classification Sherloc (09022015). Collection method: clinical testing. Allele origin: germline.

GeneDx
Classification: Likely benign. Last evaluated: 2016-11-08. Review status: criteria provided, single submitter. Criteria: GeneDx Variant Classification (06012015). Collection method: clinical testing. Allele origin: germline. Affected: yes.
Comment: This variant is considered likely benign or benign based on one or more of the following criteria: it is a conservative change, it occurs at a poorly conserved position in the protein, it is predicted to be benign by multiple in silico algorithms, and/or has population frequency not consistent with disease.